The following is an entry in ClinVar:

ClinVar aggregate classification (germline): Pathogenic (1 of 4 stars; one submission).

Conditions:
Hypertrophic cardiomyopathy. Also called: HYPERTROPHIC MYOCARDIOPATHY. Identifiers: Orphanet 217569, MedGen C0007194, MeSH D002312, MONDO:0005045, HP:0001639.

Submission:

Labcorp Genetics (formerly Invitae), Labcorp
Classification: Pathogenic for Hypertrophic cardiomyopathy. Last evaluated: 2025-02-10. Review status: criteria provided, single submitter. Criteria: Invitae Variant Classification Sherloc (09022015). Collection method: clinical testing. Allele origin: germline.
Comment: This sequence change creates a premature translational stop signal (p.Ala776Glyfs*46) in the MYBPC3 gene. It is expected to result in an absent or disrupted protein product. Loss-of-function variants in MYBPC3 are known to be pathogenic (PMID: 19574547). This variant is not present in population databases (gnomAD no frequency). This variant has not been reported in the literature in individuals affected with MYBPC3-related conditions. For these reasons, this variant has been classified as Pathogenic.

Literature cited by the submitters: PubMed 19574547.

NM_000256.3(MYBPC3):c.2327del (p.Ala776fs)

Gene: MYBPC3 (myosin binding protein C3; minus strand). Cytogenetic location: 11p11.2.
Variant type: Deletion.
Coding change: c.2327del on transcript NM_000256.3 (MANE Select); coding-DNA position 2327, one base deleted (C; older notation c.2327delC).
Protein change: p.Ala776fs; shifts the reading frame from alanine 776.
Molecular consequence: frameshift variant.
Genome position (GRCh38, 1-based): chr11:47,337,776, G deleted on the plus strand (C on the coding strand, the reverse complement: MYBPC3 is on the minus strand). VCF-style (leftmost placement, unchanged base first): chr11-47337775-CG-C. GRCh37 (hg19) VCF-style: chr11-47359326-CG-C.
Other names: short protein forms A776fs.
Identifiers: ClinVar variation 4712725 (VCV004712725.1).